The following is an entry in ClinVar:

ClinVar aggregate classification (germline): Uncertain significance. Review status: criteria provided, multiple submitters, no conflicts (2 of 4 stars). 5 submissions from 5 submitters: Uncertain significance (5). Last evaluated 2025-08-01.

Conditions:
Autosomal recessive ataxia, Beauce type. Also called: SYNE1 Deficiency; Spinocerebellar ataxia, autosomal recessive 8; SYNE1-Related Autosomal Recessive Cerebellar Ataxia; ATAXIA, RECESSIVE, OF BEAUCE. Identifiers: Orphanet 88644, MedGen C1853116, MONDO:0012549, OMIM 610743.
Emery-Dreifuss muscular dystrophy 4, autosomal dominant (EDMD4). Also called: EMERY-DREIFUSS MUSCULAR DYSTROPHY 4 WITH VARIABLE FEATURES. Identifiers: Orphanet 261, MedGen C2751807, MONDO:0013071, OMIM 612998.

Allele frequency attached by ClinVar (database versions not stated): gnomAD exomes 0.00004 and 0.00006; gnomAD 0.00005; TOPMed 0.00005; ExAC 0.00006; ESP Exome Variant Server 0.00008.
gnomAD v4.1: 84 of 1,613,836 alleles (0.0052%); highest among the groups gnomAD compares: East Asian, 0.031%; no homozygotes.

Submissions (5):

GeneDx
Classification: Uncertain significance. Last evaluated: 2025-08-01. Review status: criteria provided, single submitter. Criteria: GeneDx Variant Classification Process June 2021. Collection method: clinical testing. Allele origin: germline. Affected: yes.
Comment: In silico analysis supports that this missense variant has a deleterious effect on protein structure/function; Has not been previously published as pathogenic or benign to our knowledge

Labcorp Genetics (formerly Invitae), Labcorp
Classification: Uncertain significance for Emery-Dreifuss muscular dystrophy 4, autosomal dominant; Autosomal recessive ataxia, Beauce type. Last evaluated: 2025-07-28. Review status: criteria provided, single submitter. Criteria: Invitae Variant Classification Sherloc (09022015). Collection method: clinical testing. Allele origin: germline.
Comment: This sequence change replaces threonine, which is neutral and polar, with methionine, which is neutral and non-polar, at codon 8650 of the SYNE1 protein (p.Thr8650Met). This variant is present in population databases (rs139560053, gnomAD 0.06%). This variant has not been reported in the literature in individuals affected with SYNE1-related conditions. ClinVar contains an entry for this variant (Variation ID: 500901). An algorithm developed to predict the effect of missense changes on protein structure and function (PolyPhen-2) suggests that this variant is likely to be disruptive. In summary, the available evidence is currently insufficient to determine the role of this variant in disease. Therefore, it has been classified as a Variant of Uncertain Significance.

Revvity Omics, Revvity
Classification: Uncertain significance. Last evaluated: 2024-03-14. Review status: criteria provided, single submitter. Criteria: ACMG Guidelines, 2015. Collection method: clinical testing. Allele origin: germline.

CeGaT Center for Human Genetics Tuebingen
Classification: Uncertain significance. Last evaluated: 2017-12-01. Review status: criteria provided, single submitter. Criteria: CeGaT Center For Human Genetics Tuebingen Variant Classification Criteria Version 2. Collection method: clinical testing. Allele origin: germline. Affected: yes. Observed: 1 variant allele.

Eurofins Ntd Llc (ga)
Classification: Uncertain significance. Last evaluated: 2017-03-20. Review status: criteria provided, single submitter. Criteria: EGL Classification Definitions 2015. Collection method: clinical testing. Allele origin: germline. Observed: 1 variant allele, 1 heterozygote.

NM_182961.4(SYNE1):c.26093C>T (p.Thr8698Met)

Gene: SYNE1 (spectrin repeat containing nuclear envelope protein 1; minus strand). Cytogenetic location: 6q25.2.
Variant type: single nucleotide variant.
Coding change: c.26093C>T on transcript NM_182961.4 (MANE Select); coding-DNA position 26093, C replaced by T.
Protein change: p.Thr8698Met; replaces threonine 8698 with methionine.
Molecular consequence: missense variant.
Genome position (GRCh38, 1-based): chr6:152,132,123, G>A on the plus strand (C>T on the coding strand, the complement: SYNE1 is on the minus strand). VCF-style: chr6-152132123-G-A. GRCh37 (hg19) VCF-style: chr6-152453258-G-A.
Other names: c.2699C>T, p.Thr900Met (NM_001347701.2); c.2627C>T, p.Thr876Met (NM_001347702.2); c.25949C>T, p.Thr8650Met (NM_033071.5); c.25949C>T (NM_033071.3); short protein forms T8650M, T8698M, T876M, T900M.
Identifiers: ClinVar variation 500901 (VCV000500901.56), dbSNP rs139560053, ClinGen allele CA4052677.
Genomic context (GRCh38, chr6:152,132,123, plus strand): 5'-CTGTCACTTCCCAGTGTTCACTCCCATGGGCCAACTGAAAACGACCAGTGGAAAGTTACC[G>A]TTTTCTGTCTGTTTGGGGTGCTCCTTCCTGATGTGGGACTCACAGACCCTGAGGTGTCCA-3'
Protein context (NP_892006.3, residues 8688-8708): SGRSTPNRQK[Thr8698Met]PRGKCSLSQP